The following is an entry in ClinVar:

NM_002769.5(PRSS1):c.493G>A (p.Val165Met)

Genes: PRSS1 (serine protease 1; plus strand), TRB (T cell receptor beta locus; plus strand). Cytogenetic location: 7q34.
Variant type: single nucleotide variant.
Coding change: c.493G>A on transcript NM_002769.5 (MANE Select); coding-DNA position 493, G replaced by A.
Protein change: p.Val165Met; replaces valine 165 with methionine.
Molecular consequence: missense variant. On other transcripts: non-coding transcript variant (5).
Genome position (GRCh38, 1-based): chr7:142,752,469, G>A. VCF-style: chr7-142752469-G-A. GRCh37 (hg19) VCF-style: chr7-142460320-G-A.
Other names: short protein forms V165M.
Identifiers: ClinVar variation 2448219 (VCV002448219.2), dbSNP rs1798828107, ClinGen allele CA369609515.

ClinVar aggregate classification (germline): Uncertain significance (1 of 4 stars; one submission).

Conditions:
Hereditary pancreatitis (PCTT). Also called: Hereditary chronic pancreatitis; PRSS1-Related Hereditary Pancreatitis. Identifiers: Orphanet 676, MedGen C0238339, MONDO:0008185, OMIM 167800.

Allele frequency attached by ClinVar (database versions not stated): gnomAD exomes below 0.00001.
gnomAD v4.1: 2 of 1,614,158 alleles (0.00012%); highest among the groups gnomAD compares: Non-Finnish European, 0.00017%; no homozygotes.

Submission:

Ambry Genetics
Classification: Uncertain significance for Hereditary pancreatitis. Last evaluated: 2022-11-10. Review status: criteria provided, single submitter. Criteria: Ambry Variant Classification Scheme 2023. Collection method: clinical testing. Allele origin: germline.
Comment: The p.V165M variant (also known as c.493G>A), located in coding exon 4 of the PRSS1 gene, results from a G to A substitution at nucleotide position 493. The valine at codon 165 is replaced by methionine, an amino acid with highly similar properties. This amino acid position is conserved. In addition, this alteration is predicted to be tolerated by in silico analysis. Since supporting evidence is limited at this time, the clinical significance of this alteration remains unclear.